The following continues an entry in ClinVar:

NM_000466.3(PEX1):c.2528G>A (p.Gly843Asp)

Gene: PEX1. ClinVar aggregate classification (germline): Pathogenic. Pathogenic (37).

Submissions 8 to 26 of 48:

CeGaT Center for Human Genetics Tuebingen
Classification: Pathogenic. Last evaluated: 2024-09-01. Review status: criteria provided, single submitter. Criteria: CeGaT Center For Human Genetics Tuebingen Variant Classification Criteria Version 2. Collection method: clinical testing. Allele origin: germline. Affected: yes. Observed: 6 variant alleles.
Comment: PEX1: PM3:Very Strong, PM2

Baylor Genetics
Classification: Pathogenic for Heimler syndrome 1. Last evaluated: 2024-03-28. Review status: criteria provided, single submitter. Criteria: ACMG Guidelines, 2015. Collection method: clinical testing. Allele origin: unknown.

Laboratory of Medical Genetics, National & Kapodistrian University of Athens
Classification: Pathogenic for Peroxisome biogenesis disorder 1A (Zellweger). Last evaluated: 2024-02-01. Review status: criteria provided, single submitter. Criteria: ACMG Guidelines, 2015. Collection method: curation. Allele origin: germline. Affected: no.

Institute of Human Genetics, Clinical Exome/Genome Diagnostics Group, University Hospital Bonn
Classification: Pathogenic for Heimler syndrome 1; Peroxisome biogenesis disorder 1A (Zellweger); Peroxisome biogenesis disorder 1B. Last evaluated: 2023-09-15. Review status: criteria provided, single submitter. Criteria: ACMG Guidelines, 2015. Collection method: clinical testing. Allele origin: germline. Affected: yes.

3billion
Classification: Pathogenic for Peroxisome biogenesis disorder 1B. Last evaluated: 2023-07-07. Review status: criteria provided, single submitter. Criteria: ACMG Guidelines, 2015. Collection method: clinical testing. Allele origin: germline. Affected: yes.
Comment: The variant is observed at an extremely low frequency in the gnomAD v2.1.1 dataset (total allele frequency: 0.031%). Predicted Consequence/Location: Protein truncation variants are a common disease-causing mechanism. In silico tool predictions suggest damaging effect of the variant on gene or gene product (REVEL: 0.98; 3Cnet: 0.42). Same nucleotide change resulting in same amino acid change has been previously reported as pathogenic/likely pathogenic with strong evidence (ClinVar ID: VCV000007516 /PMID: 9398847). The variant has been observed in multiple (>3) similarly affected unrelated individuals (PMID: 10447258, 26287655, 9398847). Therefore, this variant is classified as Pathogenic according to the recommendation of ACMG/AMP guideline.

Department of Pathology and Laboratory Medicine, Sinai Health System
Classification: Pathogenic for Peroxisome biogenesis disorder 1A (Zellweger); Heimler syndrome 1; Peroxisome biogenesis disorder 1B. Last evaluated: 2023-01-11. Review status: criteria provided, single submitter. Criteria: ACMG Guidelines, 2015. Collection method: research. Allele origin: germline.

Institute of Human Genetics, Univ. Regensburg, Univ. Regensburg
Classification: Pathogenic for Retinal dystrophy. Last evaluated: 2023-01-01. Review status: criteria provided, single submitter. Criteria: ACMG Guidelines, 2015. Collection method: clinical testing. Allele origin: germline. Affected: yes.

Johns Hopkins Genomics, Johns Hopkins University
Classification: Pathogenic for Peroxisome biogenesis disorder 1A (Zellweger). Last evaluated: 2022-11-22. Review status: criteria provided, single submitter. Criteria: ACMG Guidelines, 2015. Collection method: clinical testing. Allele origin: germline.
Comment: c.2528G>A in PEX1 has been reported in multiple individuals affected with Zellweger spectrum disorder and has been shown to result in reduced PEX1 protein activity. This variant (rs61750420) has been reported in ClinVar (Variation ID 7516), and is rare (<0.1%) in a large population dataset (gnomAD: 89/282722 total alleles; 0.0315%; no homozygotes). We consider c.2528G>A; p.Gly843Asp in PEX1 to be pathogenic.

HudsonAlpha Institute for Biotechnology
Classification: Pathogenic for Heimler syndrome 1. Last evaluated: 2022-10-14. Review status: criteria provided, single submitter. Criteria: ACMG Guidelines, 2015. Collection method: research. Allele origin: unknown. Affected: yes. Observed: 1 variant allele. Study: HudsonAlpha-AGHI-WGS.
Comment: ACMG codes:PS3; PS4; PM1; PM2; PM3_VS; PP3

Revvity Omics, Revvity
Classification: Pathogenic. Last evaluated: 2022-05-23. Review status: criteria provided, single submitter. Criteria: ACMG Guidelines, 2015. Collection method: clinical testing. Allele origin: germline.

Women's Health and Genetics/Laboratory Corporation of America, LabCorp
Classification: Pathogenic for Peroxisome biogenesis disorder. Last evaluated: 2022-05-19. Review status: criteria provided, single submitter. Criteria: LabCorp Variant Classification Summary - May 2015. Collection method: clinical testing. Allele origin: germline.
Comment: Variant summary: PEX1 c.2528G>A (p.Gly843Asp) results in a non-conservative amino acid change in the encoded protein sequence. Five of five in-silico tools predict a damaging effect of the variant on protein function. The variant allele was found at a frequency of 0.00033 in 251472 control chromosomes. This frequency is not significantly higher than expected for a pathogenic variant in PEX1 causing Zellweger Syndrome (0.00033 vs 0.0039), allowing no conclusion about variant significance. The variant has been observed in many ZS patients reported in the literature in both compound heterozygous and homozygous states. 19 clinical diagnostic laboratories have submitted clinical-significance assessments for this variant to ClinVar after 2014 without evidence for independent evaluation. All laboratories classified the variant as pathogenic. Based on the evidence outlined above, the variant was classified as pathogenic.

GeneDx
Classification: Pathogenic. Last evaluated: 2022-05-02. Review status: criteria provided, single submitter. Criteria: GeneDx Variant Classification Process June 2021. Collection method: clinical testing. Allele origin: germline. Affected: yes.
Comment: Published functional studies using a mouse model of G843D (in mice G844D) demonstrate PEX1-G844D homozygous mice recapitulate many classic features of mild ZSD cases, including growth retardation and fatty livers with cholestasis (Hiebler et al., 2014); This variant is associated with the following publications: (PMID: 22871920, 17055079, 21862673, 16141001, 11389485, 25412400, 12402331, 26219880, 27872819, 31150129, 30577886, 31980526, 31216405, 27090541, 26643206, 27882258, 29766340, 21846392, 21031596, 15098231, 10384394, 9398848, 29377746, 29419819, 29287774, 28857144, 29247835, 10447258, 26303611, 29588463, 28559085, 29907799, 31664448, 32866347, 34426522, 31589614, 31884617, 31319225, 9398847, 26287655, 33869228, 34434934, 34703844, 24503136)

Athena Diagnostics
Classification: Pathogenic. Last evaluated: 2021-09-03. Review status: criteria provided, single submitter. Criteria: Athena Diagnostics Criteria. Collection method: clinical testing. Allele origin: unknown.
Comment: Assessment of experimental evidence suggests this variant results in abnormal protein function (PMID: 9398847, 24503136). This variant has been identified as homozygous or compound heterozygous in multiple individuals with clinical features associated with this gene and appears to segregate with disease in at least one family (PMID: 26643206, 31374812, 27882258, 27872819, 26287655, 30577886, 11389485, 9398847, 9398848, 16141001, 12032265, 27090541). The frequency of this variant in the general population is consistent with pathogenicity.This observation is not an independent occurrence and has been identified in the same individual by RCIGM, the other laboratory participating in the GEMINI study.

Dubai Health Genomic Medicine Center, Dubai Health
Classification: Pathogenic. Last evaluated: 2020-07-21. Review status: criteria provided, single submitter. Criteria: ACMG Guidelines, 2015. Collection method: clinical testing. Allele origin: germline. Affected: yes.

Elsea Laboratory, Baylor College of Medicine
Classification: Pathogenic for Peroxisome biogenesis disorder 1A (Zellweger); Peroxisome biogenesis disorder 1B. Last evaluated: 2020-04-01. Review status: criteria provided, single submitter. Criteria: ACMG Guidelines, 2015. Collection method: clinical testing. Allele origin: paternal. Affected: no.

Myriad Genetics, Inc.
Classification: Pathogenic for Peroxisome biogenesis disorder 1A (Zellweger). Last evaluated: 2019-10-18. Review status: criteria provided, single submitter. Criteria: Myriad Women's Health Autosomal Recessive and X-Linked Classification Criteria (2019). Collection method: clinical testing. Allele origin: unknown.
Comment: NM_000466.2(PEX1):c.2528G>A(G843D) is classified as pathogenic in the context of peroxisome biogenesis disorder type 1. Sources cited for classification include the following: PMID 21031596, 16141001, 12402331, 9398848, 15098231, 9398847, 10384394. Classification of NM_000466.2(PEX1):c.2528G>A(G843D) is based on the following criteria: This is a well-established pathogenic variant in the literature that has been observed more frequently in patients with clinical diagnoses than in healthy populations. Please note: this variant was assessed in the context of healthy population screening.

Myriad Genetics, Inc.
Classification: Pathogenic for Peroxisome biogenesis disorder 1B. Last evaluated: 2019-10-18. Review status: criteria provided, single submitter. Criteria: Myriad Women's Health Autosomal Recessive and X-Linked Classification Criteria (2019). Collection method: clinical testing. Allele origin: unknown.
Comment: the same text as in the submission from Myriad Genetics, Inc. above.

Fulgent Genetics
Classification: Pathogenic for Peroxisome biogenesis disorder 1A (Zellweger); Heimler syndrome 1; Peroxisome biogenesis disorder 1B. Last evaluated: 2018-10-31. Review status: criteria provided, single submitter. Criteria: ACMG Guidelines, 2015. Collection method: clinical testing. Allele origin: unknown.

SIB Swiss Institute of Bioinformatics
Classification: Pathogenic for Peroxisome biogenesis disorder 1A (Zellweger). Last evaluated: 2018-05-31. Review status: criteria provided, single submitter. Criteria: ACMG Guidelines, 2015. Collection method: curation. Allele origin: unknown.
Comment: This variant is interpreted as a Pathogenic, for Peroxisome biogenesis disorder 1A (Zellweger), in Autosomal Recessive manner. The following ACMG Tag(s) were applied: PM2 => Absent from controls (or at extremely low frequency if recessive) in Exome Sequencing Project, 1000 Genomes Project, or Exome Aggregation Consortium. PS4-Moderate => Most common mutation found in multiple unrelated patients (PMID:9398847,11389485,19105186,16141001). PP3 => Multiple lines of computational evidence support a deleterious effect on the gene or gene product. PS3 => Well-established functional studies show a deleterious effect (PMID:9398847). PM3 => For recessive disorders, detected in trans with a pathogenic variant (PMID:15098231).